The following is an entry in ClinVar:

ClinVar aggregate classification (germline): Uncertain significance. Review status: criteria provided, multiple submitters, no conflicts (2 of 4 stars). 4 submissions from 4 submitters: Uncertain significance (3). 1 of the submissions does not count toward it. Last evaluated 2024-12-11.

Conditions:
Short-rib thoracic dysplasia 10 with or without polydactyly (SRTD10). Identifiers: Orphanet 474, MedGen C3810175, MONDO:0014284, OMIM 615630.
Retinitis pigmentosa 71 (RP71). Identifiers: Orphanet 791, MedGen C4225342, MONDO:0014618, OMIM 616394.
Inborn genetic diseases. Identifiers: MedGen C0950123, MeSH D030342.
IFT172-related disorder. Also called: IFT172-related condition; IFT172-related disorders.

Allele frequency attached by ClinVar (database versions not stated): gnomAD 0.00003 and 0.00004; gnomAD exomes 0.00003 and 0.00004; TOPMed 0.00001; ExAC 0.00002.
gnomAD v4.1: 42 of 1,612,306 alleles (0.0026%); highest among the groups gnomAD compares: South Asian, 0.023%; no homozygotes.

Submissions (4):

Ambry Genetics
Classification: Uncertain significance for Inborn genetic diseases. Last evaluated: 2024-12-11. Review status: criteria provided, single submitter. Criteria: Ambry Variant Classification Scheme 2023. Collection method: clinical testing. Allele origin: germline.

Labcorp Genetics (formerly Invitae), Labcorp
Classification: Uncertain significance for Retinitis pigmentosa 71; Short-rib thoracic dysplasia 10 with or without polydactyly. Last evaluated: 2023-12-01. Review status: criteria provided, single submitter. Criteria: Invitae Variant Classification Sherloc (09022015). Collection method: clinical testing. Allele origin: germline.
Comment: This sequence change replaces tyrosine, which is neutral and polar, with cysteine, which is neutral and slightly polar, at codon 201 of the IFT172 protein (p.Tyr201Cys). This variant is present in population databases (rs768237211, gnomAD 0.02%). This variant has not been reported in the literature in individuals affected with IFT172-related conditions. ClinVar contains an entry for this variant (Variation ID: 1444748). Advanced modeling of protein sequence and biophysical properties (such as structural, functional, and spatial information, amino acid conservation, physicochemical variation, residue mobility, and thermodynamic stability) performed at Invitae indicates that this missense variant is not expected to disrupt IFT172 protein function with a negative predictive value of 80%. In summary, the available evidence is currently insufficient to determine the role of this variant in disease. Therefore, it has been classified as a Variant of Uncertain Significance.

GeneDx
Classification: Uncertain significance. Last evaluated: 2022-03-03. Review status: criteria provided, single submitter. Criteria: GeneDx Variant Classification Process June 2021. Collection method: clinical testing. Allele origin: germline. Affected: yes.
Comment: In silico analysis supports that this missense variant has a deleterious effect on protein structure/function; Has not been previously published as pathogenic or benign to our knowledge

PreventionGenetics, part of Exact Sciences
Classification: Uncertain significance for IFT172-related condition. Last evaluated: 2024-08-12. Review status: no assertion criteria provided. Collection method: clinical testing. Allele origin: germline. Not counted in ClinVar's aggregate classification.
Comment: The IFT172 c.602A>G variant is predicted to result in the amino acid substitution p.Tyr201Cys. To our knowledge, this variant has not been reported in the literature. This variant is reported in 0.023% of alleles in individuals of South Asian descent in gnomAD. At this time, the clinical significance of this variant is uncertain due to the absence of conclusive functional and genetic evidence.

NM_015662.3(IFT172):c.602A>G (p.Tyr201Cys)

Gene: IFT172 (intraflagellar transport 172; minus strand). Cytogenetic location: 2p23.3.
Variant type: single nucleotide variant.
Coding change: c.602A>G on transcript NM_015662.3 (MANE Select); coding-DNA position 602, A replaced by G.
Protein change: p.Tyr201Cys; replaces tyrosine 201 with cysteine.
Molecular consequence: missense variant.
Genome position (GRCh38, 1-based): chr2:27,481,229, T>C on the plus strand (A>G on the coding strand, the complement: IFT172 is on the minus strand). VCF-style: chr2-27481229-T-C. GRCh37 (hg19) VCF-style: chr2-27704096-T-C.
Other names: c.602A>G (NM_015662.1); short protein forms Y201C.
Identifiers: ClinVar variation 1444748 (VCV001444748.7), dbSNP rs768237211, ClinGen allele CA1580909.